The following is an entry in ClinVar:

ClinVar aggregate classification (germline): Uncertain significance (1 of 4 stars; one submission).

Conditions:
Perlman syndrome (PRLMNS). Identifiers: Orphanet 2849, MedGen C0796113, MONDO:0009965, OMIM 267000.

gnomAD v4.1: 2 of 1,597,906 alleles (0.00013%); highest among the groups gnomAD compares: Non-Finnish European, 0.00017%; no homozygotes.

Submission:

Labcorp Genetics (formerly Invitae), Labcorp
Classification: Uncertain significance for Perlman syndrome. Last evaluated: 2023-11-24. Review status: criteria provided, single submitter. Criteria: Invitae Variant Classification Sherloc (09022015). Collection method: clinical testing. Allele origin: germline.
Comment: This sequence change replaces arginine, which is basic and polar, with glycine, which is neutral and non-polar, at codon 92 of the DIS3L2 protein (p.Arg92Gly). This variant is not present in population databases (gnomAD no frequency). This variant has not been reported in the literature in individuals affected with DIS3L2-related conditions. ClinVar contains an entry for this variant (Variation ID: 1020106). Advanced modeling of protein sequence and biophysical properties (such as structural, functional, and spatial information, amino acid conservation, physicochemical variation, residue mobility, and thermodynamic stability) performed at Invitae indicates that this missense variant is not expected to disrupt DIS3L2 protein function with a negative predictive value of 80%. In summary, the available evidence is currently insufficient to determine the role of this variant in disease. Therefore, it has been classified as a Variant of Uncertain Significance.

NM_152383.5(DIS3L2):c.274C>G (p.Arg92Gly)

Gene: DIS3L2 (DIS3 like 3'-5' exoribonuclease 2; plus strand). Cytogenetic location: 2q37.1.
Variant type: single nucleotide variant.
Coding change: c.274C>G on transcript NM_152383.5 (MANE Select); coding-DNA position 274, C replaced by G.
Protein change: p.Arg92Gly; replaces arginine 92 with glycine.
Molecular consequence: missense variant. On other transcripts: non-coding transcript variant (2).
Genome position (GRCh38, 1-based): chr2:232,029,988, C>G. VCF-style: chr2-232029988-C-G. GRCh37 (hg19) VCF-style: chr2-232894698-C-G.
Other names: c.274C>G, p.Arg92Gly (NM_001257281.2, NM_001257282.2); short protein forms R92G.
Identifiers: ClinVar variation 1020106 (VCV001020106.8), dbSNP rs748001988, ClinGen allele CA351152862.
Genomic context (GRCh38, chr2:232,029,988, plus strand): 5'-GCTTTATGTGTTTTTAAGCTCACTATTGTTTTATTTCTTTTTCCAACCTAGGATGGTGAT[C>G]GAGACATTTTTATTGATGGGGTTGTTGCTCGTAATAGAGCCTTAAATGGGGATCTGGTGG-3'
Protein context (NP_689596.4, residues 82-102): EAFIPSPDGD[Arg92Gly]DIFIDGVVAR